The following is an entry in ClinVar:

NM_000497.4(CYP11B1):c.392del (p.Leu131fs)

Gene: CYP11B1 (cytochrome P450 family 11 subfamily B member 1; minus strand). Cytogenetic location: 8q24.3.
Variant type: Deletion.
Coding change: c.392del on transcript NM_000497.4 (MANE Select); coding-DNA position 392, one base deleted (T; older notation c.392delT).
Protein change: p.Leu131fs; shifts the reading frame from leucine 131.
Molecular consequence: frameshift variant.
Genome position (GRCh38, 1-based): chr8:142,879,035, A deleted on the plus strand (T on the coding strand, the reverse complement: CYP11B1 is on the minus strand); the first of 2 consecutive A bases (chr8:142,879,035-142,879,036); deleting either gives the same sequence. VCF-style (leftmost placement, unchanged base first): chr8-142879034-CA-C. GRCh37 (hg19) VCF-style: chr8-143960450-CA-C.
Other names: c.392del, p.Leu131fs (NM_001026213.1); short protein forms L131fs.
Identifiers: ClinVar variation 1907719 (VCV001907719.5), dbSNP rs2488681006, ClinGen allele CA2580078617.

ClinVar aggregate classification (germline): Pathogenic (1 of 4 stars; one submission).

Submission:

Labcorp Genetics (formerly Invitae), Labcorp
Classification: Pathogenic. Last evaluated: 2022-06-14. Review status: criteria provided, single submitter. Criteria: Invitae Variant Classification Sherloc (09022015). Collection method: clinical testing. Allele origin: germline.
Comment: This sequence change creates a premature translational stop signal (p.Leu131Cysfs*2) in the CYP11B1 gene. It is expected to result in an absent or disrupted protein product. Loss-of-function variants in CYP11B1 are known to be pathogenic (PMID: 8506298, 26476331). This variant is not present in population databases (gnomAD no frequency). This variant has not been reported in the literature in individuals affected with CYP11B1-related conditions. For these reasons, this variant has been classified as Pathogenic.

Literature cited by the submitters: PubMed 8506298; PubMed 26476331.